The following is an entry in ClinVar:

NM_005585.5(SMAD6):c.269C>G (p.Pro90Arg)

Gene: SMAD6 (SMAD family member 6; plus strand). Cytogenetic location: 15q22.31.
Variant type: single nucleotide variant.
Coding change: c.269C>G on transcript NM_005585.5 (MANE Select); coding-DNA position 269, C replaced by G.
Protein change: p.Pro90Arg; replaces proline 90 with arginine.
Molecular consequence: missense variant. On other transcripts: non-coding transcript variant (1).
Genome position (GRCh38, 1-based): chr15:66,703,527, C>G. VCF-style: chr15-66703527-C-G. GRCh37 (hg19) VCF-style: chr15-66995865-C-G.
Other names: short protein forms P90R.
Identifiers: ClinVar variation 2133187 (VCV002133187.4), dbSNP rs1448623139, ClinGen allele CA392949115.

ClinVar aggregate classification (germline): Uncertain significance (1 of 4 stars; one submission).

Conditions:
Aortic valve disease 2 (AOVD2). Identifiers: MedGen C3542024, MONDO:0013902, OMIM 614823.

Allele frequency attached by ClinVar (database versions not stated): gnomAD exomes 0.00001.
gnomAD v4.1: 13 of 1,221,910 alleles (0.0011%); highest among the groups gnomAD compares: Non-Finnish European, 0.0013%; no homozygotes.

Submission:

Labcorp Genetics (formerly Invitae), Labcorp
Classification: Uncertain significance for Aortic valve disease 2. Last evaluated: 2022-05-03. Review status: criteria provided, single submitter. Criteria: Invitae Variant Classification Sherloc (09022015). Collection method: clinical testing. Allele origin: germline.
Comment: This sequence change replaces proline, which is neutral and non-polar, with arginine, which is basic and polar, at codon 90 of the SMAD6 protein (p.Pro90Arg). This variant is present in population databases (no rsID available, gnomAD 0.007%). In summary, the available evidence is currently insufficient to determine the role of this variant in disease. Therefore, it has been classified as a Variant of Uncertain Significance. Algorithms developed to predict the effect of missense changes on protein structure and function (SIFT, PolyPhen-2, Align-GVGD) all suggest that this variant is likely to be tolerated. This variant has not been reported in the literature in individuals affected with SMAD6-related conditions.